The following is an entry in ClinVar:

NM_017415.3(KLHL3):c.430C>T (p.Gln144Ter)

Gene: KLHL3 (kelch like family member 3; minus strand). Cytogenetic location: 5q31.2.
Variant type: single nucleotide variant.
Coding change: c.430C>T on transcript NM_017415.3 (MANE Select); coding-DNA position 430, C replaced by T.
Protein change: p.Gln144Ter; replaces glutamine 144 with a stop codon.
Molecular consequence: nonsense.
Genome position (GRCh38, 1-based): chr5:137,692,381, G>A on the plus strand (C>T on the coding strand, the complement: KLHL3 is on the minus strand). VCF-style: chr5-137692381-G-A. GRCh37 (hg19) VCF-style: chr5-137028070-G-A.
Other names: c.334C>T, p.Gln112Ter (NM_001257194.1); c.184C>T, p.Gln62Ter (NM_001257195.2); short protein forms Q144*, Q62*, Q112*.
Identifiers: ClinVar variation 100540 (VCV000100540.3), dbSNP rs199469637, ClinGen allele CA269980.

ClinVar aggregate classification (germline): Pathogenic (0 of 4 stars; one submission).

Conditions:
Pseudohypoaldosteronism type 2A (PHA2A). Also called: GORDON HYPERKALEMIA-HYPERTENSION SYNDROME; HYPERTENSIVE HYPERKALEMIA, FAMILIAL. Identifiers: Orphanet 757, Orphanet 88938, MedGen C1840389, MONDO:0007772, OMIM 145260.

Submission:

Richard Lifton Laboratory, Yale University School of Medicine
Classification: Pathogenic for Pseudohypoaldosteronism, type 2. Review status: no assertion criteria provided. Collection method: not provided. Allele origin: germline.
Comment: recessive;BTB domain
ClinVar note: Converted during submission from pathogenic to Pathogenic.